The following is an entry in ClinVar:

ClinVar aggregate classification (germline): Uncertain significance (1 of 4 stars; one submission).

Conditions:
Familial cancer of breast. Also called: hereditary breast carcinoma; BREAST CANCER, FAMILIAL; Hereditary breast cancer. Identifiers: Orphanet 227535, MedGen C0346153, MONDO:0016419, OMIM 114480. Disease mechanism: loss of function.

gnomAD v4.1: 3 of 1,587,058 alleles (0.00019%); highest among the groups gnomAD compares: Non-Finnish European, 0.00026%; no homozygotes.

Submission:

Labcorp Genetics (formerly Invitae), Labcorp
Classification: Uncertain significance for Familial cancer of breast. Last evaluated: 2024-05-23. Review status: criteria provided, single submitter. Criteria: Invitae Variant Classification Sherloc (09022015). Collection method: clinical testing. Allele origin: germline.
Comment: This sequence change replaces serine, which is neutral and polar, with threonine, which is neutral and polar, at codon 231 of the BARD1 protein (p.Ser231Thr). This variant is not present in population databases (gnomAD no frequency). This variant has not been reported in the literature in individuals affected with BARD1-related conditions. Algorithms developed to predict the effect of missense changes on protein structure and function output the following: SIFT: "Not Available"; PolyPhen-2: "Benign"; Align-GVGD: "Not Available". The threonine amino acid residue is found in multiple mammalian species, which suggests that this missense change does not adversely affect protein function. In summary, the available evidence is currently insufficient to determine the role of this variant in disease. Therefore, it has been classified as a Variant of Uncertain Significance.

NM_000465.4(BARD1):c.691T>A (p.Ser231Thr)

Gene: BARD1 (BRCA1 associated RING domain 1; minus strand). Cytogenetic location: 2q35.
Variant type: single nucleotide variant.
Coding change: c.691T>A on transcript NM_000465.4 (MANE Select); coding-DNA position 691, T replaced by A.
Protein change: p.Ser231Thr; replaces serine 231 with threonine.
Molecular consequence: missense variant. On other transcripts: non-coding transcript variant (2), intron variant (3).
Genome position (GRCh38, 1-based): chr2:214,781,183, A>T on the plus strand (T>A on the coding strand, the complement: BARD1 is on the minus strand). VCF-style: chr2-214781183-A-T. GRCh37 (hg19) VCF-style: chr2-215645907-A-T.
Other names: c.634T>A, p.Ser212Thr (NM_001282543.2); c.158+28229T>A (NM_001282548.2); c.215+15878T>A (NM_001282545.2); c.364+11114T>A (NM_001282549.2); short protein forms S212T, S231T.
Identifiers: ClinVar variation 3691902 (VCV003691902.2).